The following is an entry in ClinVar:

NM_001287.6(CLCN7):c.1939A>G (p.Ile647Val)

Gene: CLCN7 (Cl-/H+ antiporter 7; minus strand). Cytogenetic location: 16p13.3.
Variant type: single nucleotide variant.
Coding change: c.1939A>G on transcript NM_001287.6 (MANE Select); coding-DNA position 1939, A replaced by G.
Protein change: p.Ile647Val; replaces isoleucine 647 with valine.
Molecular consequence: missense variant.
Genome position (GRCh38, 1-based): chr16:1,448,429, T>C on the plus strand (A>G on the coding strand, the complement: CLCN7 is on the minus strand). VCF-style: chr16-1448429-T-C. GRCh37 (hg19) VCF-style: chr16-1498430-T-C.
Other names: c.1867A>G, p.Ile623Val (NM_001114331.3); short protein forms I623V, I647V.
Identifiers: ClinVar variation 1974133 (VCV001974133.5), dbSNP rs756978484, ClinGen allele CA7809978.
Genomic context (GRCh38, chr16:1,448,429, plus strand): 5'-CATGCTCCACCACGGGGAAGCCGTTGTGATTGGACGCCGTGTCGCTCAGCACGTCCACAA[T>C]GACGCCGACCTTCTCACGCCGCCTCAGGCAGGTCACTGGTGTGCTCATCACCTCCCTGCC-3'
Protein context (NP_001278.1, residues 637-657): CLRRREKVGV[Ile647Val]VDVLSDTASN

ClinVar aggregate classification (germline): Uncertain significance (1 of 4 stars; one submission).

Allele frequency attached by ClinVar (database versions not stated): ExAC 0.00001; gnomAD exomes below 0.00001.
gnomAD v4.1: 1 of 1,612,452 alleles (0.000062%); highest among the groups gnomAD compares: South Asian, 0.0011%; no homozygotes.

Submission:

Labcorp Genetics (formerly Invitae), Labcorp
Classification: Uncertain significance. Last evaluated: 2025-10-11. Review status: criteria provided, single submitter. Criteria: Invitae Variant Classification Sherloc (09022015). Collection method: clinical testing. Allele origin: germline.
Comment: This sequence change replaces isoleucine, which is neutral and non-polar, with valine, which is neutral and non-polar, at codon 647 of the CLCN7 protein (p.Ile647Val). This variant is present in population databases (rs756978484, gnomAD 0.003%). This variant has not been reported in the literature in individuals affected with CLCN7-related conditions. ClinVar contains an entry for this variant (Variation ID: 1974133). Invitae Evidence Modeling of protein sequence and biophysical properties (such as structural, functional, and spatial information, amino acid conservation, physicochemical variation, residue mobility, and thermodynamic stability) indicates that this missense variant is not expected to disrupt CLCN7 protein function with a negative predictive value of 95%. In summary, the available evidence is currently insufficient to determine the role of this variant in disease. Therefore, it has been classified as a Variant of Uncertain Significance.